The following is an entry in ClinVar:

NM_003489.4(NRIP1):c.1795T>C (p.Ser599Pro)

Gene: NRIP1 (nuclear receptor interacting protein 1; minus strand). Cytogenetic location: 21q11.2.
Variant type: single nucleotide variant.
Coding change: c.1795T>C on transcript NM_003489.4 (MANE Select); coding-DNA position 1795, T replaced by C.
Protein change: p.Ser599Pro; replaces serine 599 with proline.
Molecular consequence: missense variant.
Genome position (GRCh38, 1-based): chr21:14,966,398, A>G on the plus strand (T>C on the coding strand, the complement: NRIP1 is on the minus strand). VCF-style: chr21-14966398-A-G. GRCh37 (hg19) VCF-style: chr21-16338719-A-G.
Other names: short protein forms S599P.
Identifiers: ClinVar variation 3630853 (VCV003630853.2).

ClinVar aggregate classification (germline): Uncertain significance (1 of 4 stars; one submission).

Submission:

Labcorp Genetics (formerly Invitae), Labcorp
Classification: Uncertain significance. Last evaluated: 2024-06-24. Review status: criteria provided, single submitter. Criteria: Invitae Variant Classification Sherloc (09022015). Collection method: clinical testing. Allele origin: germline.
Comment: This sequence change replaces serine, which is neutral and polar, with proline, which is neutral and non-polar, at codon 599 of the NRIP1 protein (p.Ser599Pro). This variant is present in population databases (rs776900199, gnomAD 0.0009%). This variant has not been reported in the literature in individuals affected with NRIP1-related conditions. An algorithm developed to predict the effect of missense changes on protein structure and function (PolyPhen-2) suggests that this variant is likely to be tolerated. In summary, the available evidence is currently insufficient to determine the role of this variant in disease. Therefore, it has been classified as a Variant of Uncertain Significance.